The following is an entry in ClinVar:

NM_000051.4(ATM):c.8433del (p.Lys2811fs)

Genes: ATM (ATM serine/threonine kinase; plus strand), C11orf65 (chromosome 11 open reading frame 65; minus strand). Cytogenetic location: 11q22.3.
Variant type: Deletion.
Coding change: c.8433del on transcript NM_000051.4 (MANE Select); coding-DNA position 8433, one base deleted (G; older notation c.8433delG).
Protein change: p.Lys2811fs; shifts the reading frame from lysine 2811.
Molecular consequence: frameshift variant. On other transcripts: intron variant (2).
Genome position (GRCh38, 1-based): chr11:108,345,757, G deleted. VCF-style (leftmost placement, unchanged base first): chr11-108345756-AG-A. GRCh37 (hg19) VCF-style: chr11-108216483-AG-A.
Other names: c.8433del, p.Lys2811fs (NM_001351834.2); c.641-36686del (NM_001330368.2); c.695-10465del (NM_001351110.2); short protein forms K2811fs.
Identifiers: ClinVar variation 3904267 (VCV003904267.1).

ClinVar aggregate classification (germline): Pathogenic. Review status: criteria provided, multiple submitters, no conflicts (2 of 4 stars). 2 submissions from 2 submitters: Pathogenic (2). Last evaluated 2025-10-04.

Conditions:
Hereditary cancer-predisposing syndrome. Also called: Neoplastic Syndromes, Hereditary; Tumor predisposition; Hereditary Cancer Syndrome; Hereditary neoplastic syndrome. Identifiers: Orphanet 140162, MedGen C0027672, MeSH D009386, MONDO:0015356.
Familial cancer of breast. Also called: Hereditary breast cancer; BREAST CANCER, FAMILIAL; hereditary breast carcinoma. Identifiers: Orphanet 227535, MedGen C0346153, MONDO:0016419, OMIM 114480. Disease mechanism: loss of function.

Submissions (2):

Ambry Genetics
Classification: Pathogenic for Hereditary cancer-predisposing syndrome. Last evaluated: 2025-10-04. Review status: criteria provided, single submitter. Criteria: Ambry Variant Classification Scheme 2023. Collection method: clinical testing. Allele origin: germline.
Comment: The c.8433delG pathogenic mutation, located in coding exon 57 of the ATM gene, results from a deletion of one nucleotide at nucleotide position 8433, causing a translational frameshift with a predicted alternate stop codon (p.K2811Nfs*46). This variant is considered to be rare based on population cohorts in the Genome Aggregation Database (gnomAD). This alteration is expected to result in loss of function by premature protein truncation or nonsense-mediated mRNA decay. As such, this alteration is interpreted as a disease-causing mutation.

Myriad Genetics, Inc.
Classification: Pathogenic for Familial cancer of breast. Last evaluated: 2025-03-27. Review status: criteria provided, single submitter. Criteria: Myriad Autosomal Dominant, Autosomal Recessive and X-Linked Classification Criteria (2023). Collection method: clinical testing. Allele origin: unknown.
Comment: This variant is considered pathogenic. This variant creates a frameshift predicted to result in premature protein truncation.